The following is an entry in ClinVar:

ClinVar aggregate classification (germline): Uncertain significance (1 of 4 stars; one submission).

Conditions:
Hereditary cancer-predisposing syndrome. Also called: Neoplastic Syndromes, Hereditary; Tumor predisposition; Hereditary Cancer Syndrome; Hereditary neoplastic syndrome. Identifiers: Orphanet 140162, MedGen C0027672, MeSH D009386, MONDO:0015356.

Submission:

Ambry Genetics
Classification: Uncertain significance for Hereditary cancer-predisposing syndrome. Last evaluated: 2022-02-05. Review status: criteria provided, single submitter. Criteria: Ambry Variant Classification Scheme 2023. Collection method: clinical testing. Allele origin: germline.
Comment: The p.D69N variant (also known as c.205G>A), located in coding exon 2 of the BMPR1A gene, results from a G to A substitution at nucleotide position 205. The aspartic acid at codon 69 is replaced by asparagine, an amino acid with highly similar properties. This amino acid position is conserved. In addition, the in silico prediction for this alteration is inconclusive. Since supporting evidence is limited at this time, the clinical significance of this alteration remains unclear.

NM_004329.3(BMPR1A):c.205G>A (p.Asp69Asn)

Gene: BMPR1A (bone morphogenetic protein receptor type 1A; plus strand). Cytogenetic location: 10q23.2.
Variant type: single nucleotide variant.
Coding change: c.205G>A on transcript NM_004329.3 (MANE Select); coding-DNA position 205, G replaced by A.
Protein change: p.Asp69Asn; replaces aspartic acid 69 with asparagine.
Molecular consequence: missense variant.
Genome position (GRCh38, 1-based): chr10:86,890,199, G>A. VCF-style: chr10-86890199-G-A. GRCh37 (hg19) VCF-style: chr10-88649956-G-A.
Other names: c.205G>A, p.Asp69Asn (NM_001406559.1, NM_001406560.1, NM_001406561.1 and 23 more transcripts); c.121G>A, p.Asp41Asn (NM_001406584.1, NM_001406585.1, NM_001406586.1 and 2 more transcripts); short protein forms D69N, D41N.
Identifiers: ClinVar variation 1785201 (VCV001785201.2), dbSNP rs1177143902, ClinGen allele CA377447133.